The following is an entry in ClinVar:

NM_001291303.3(FAT4):c.13678G>A (p.Asp4560Asn)

Gene: FAT4 (FAT atypical cadherin 4; plus strand). Cytogenetic location: 4q28.1.
Variant type: single nucleotide variant.
Coding change: c.13678G>A on transcript NM_001291303.3 (MANE Select); coding-DNA position 13678, G replaced by A.
Protein change: p.Asp4560Asn; replaces aspartic acid 4560 with asparagine.
Molecular consequence: missense variant.
Genome position (GRCh38, 1-based): chr4:125,490,494, G>A. VCF-style: chr4-125490494-G-A. GRCh37 (hg19) VCF-style: chr4-126411649-G-A.
Other names: c.13675G>A, p.Asp4559Asn (NM_001291285.3); c.13672G>A, p.Asp4558Asn (NM_024582.6); short protein forms D4559N, D4558N, D4560N.
Identifiers: ClinVar variation 1390482 (VCV001390482.9), dbSNP rs770945735, ClinGen allele CA3074416.

ClinVar aggregate classification (germline): Uncertain significance (1 of 4 stars; one submission).

Allele frequency attached by ClinVar (database versions not stated): gnomAD exomes below 0.00001; TOPMed below 0.00001; ExAC 0.00001.
gnomAD v4.1: 1 of 1,614,142 alleles (0.000062%); highest among the groups gnomAD compares: Admixed American, 0.0017%; no homozygotes.

Submission:

Labcorp Genetics (formerly Invitae), Labcorp
Classification: Uncertain significance. Last evaluated: 2021-12-03. Review status: criteria provided, single submitter. Criteria: Invitae Variant Classification Sherloc (09022015). Collection method: clinical testing. Allele origin: germline.
Comment: This sequence change replaces aspartic acid, which is acidic and polar, with asparagine, which is neutral and polar, at codon 4558 of the FAT4 protein (p.Asp4558Asn). This variant is present in population databases (rs770945735, gnomAD 0.003%). This variant has not been reported in the literature in individuals affected with FAT4-related conditions. Advanced modeling of protein sequence and biophysical properties (such as structural, functional, and spatial information, amino acid conservation, physicochemical variation, residue mobility, and thermodynamic stability) performed at Invitae indicates that this missense variant is not expected to disrupt FAT4 protein function. In summary, the available evidence is currently insufficient to determine the role of this variant in disease. Therefore, it has been classified as a Variant of Uncertain Significance.